The following is an entry in ClinVar:

NM_001429.4(EP300):c.3672_3673dup (p.Thr1225fs)

Gene: EP300 (EP300 lysine acetyltransferase; plus strand). Cytogenetic location: 22q13.2.
Variant type: Duplication.
Coding change: c.3672_3673dup on transcript NM_001429.4 (MANE Select); coding-DNA positions 3672 to 3673, 2 bases duplicated (TA; older notation c.3672_3673dupTA).
Protein change: p.Thr1225fs; shifts the reading frame from threonine 1225.
Molecular consequence: frameshift variant.
Genome position (GRCh38, 1-based): chr22:41,162,723-41,162,724, TA duplicated. VCF-style (leftmost placement, unchanged base first): chr22-41162722-G-GTA. GRCh37 (hg19) VCF-style: chr22-41558726-G-GTA.
Other names: c.3594_3595dup, p.Thr1199fs (NM_001362843.2); short protein forms T1225fs, T1199fs.
Identifiers: ClinVar variation 2060293 (VCV002060293.4), dbSNP rs2517813357, ClinGen allele CA2580099813.

ClinVar aggregate classification (germline): Pathogenic (1 of 4 stars; one submission).

Conditions:
Rubinstein-Taybi syndrome due to EP300 haploinsufficiency. Also called: EP300-Related Rubinstein-Taybi Syndrome; RUBINSTEIN-TAYBI SYNDROME 2. Identifiers: Orphanet 353284, Orphanet 783, MedGen C3150941, MONDO:0013364, OMIM 613684.

Submission:

Labcorp Genetics (formerly Invitae), Labcorp
Classification: Pathogenic for Rubinstein-Taybi syndrome due to EP300 haploinsufficiency. Last evaluated: 2021-12-25. Review status: criteria provided, single submitter. Criteria: Invitae Variant Classification Sherloc (09022015). Collection method: clinical testing. Allele origin: germline.
Comment: This sequence change creates a premature translational stop signal (p.Thr1225Ilefs*3) in the EP300 gene. It is expected to result in an absent or disrupted protein product. Loss-of-function variants in EP300 are known to be pathogenic (PMID: 15706485, 24476420). This variant is not present in population databases (gnomAD no frequency). This variant has not been reported in the literature in individuals affected with EP300-related conditions. For these reasons, this variant has been classified as Pathogenic.

Literature cited by the submitters: PubMed 15706485; PubMed 24476420.